The following is an entry in ClinVar:

ClinVar aggregate classification (germline): Likely benign. Review status: criteria provided, multiple submitters, no conflicts (2 of 4 stars). 2 submissions from 2 submitters: Likely benign (2). Last evaluated 2024-09-05.

Allele frequency attached by ClinVar (database versions not stated): gnomAD exomes below 0.00001 and 0.00002.
gnomAD v4.1: 23 of 1,614,208 alleles (0.0014%); highest among the groups gnomAD compares: Non-Finnish European, 0.0019%; no homozygotes.

Submissions (2):

Blueprint Genetics
Classification: Likely benign. Last evaluated: 2024-09-05. Review status: criteria provided, single submitter. Criteria: ACMG Guidelines, 2015. Collection method: clinical testing. Allele origin: germline.

GeneDx
Classification: Likely benign. Last evaluated: 2016-01-28. Review status: criteria provided, single submitter. Criteria: GeneDx Variant Classification (06012015). Collection method: clinical testing. Allele origin: germline. Affected: yes.
Comment: This variant is considered likely benign or benign based on one or more of the following criteria: it is a conservative change, it occurs at a poorly conserved position in the protein, it is predicted to be benign by multiple in silico algorithms, and/or has population frequency not consistent with disease.

NM_004183.4(BEST1):c.1344G>A (p.Lys448=)

Gene: BEST1 (bestrophin 1; plus strand). Cytogenetic location: 11q12.3.
Variant type: single nucleotide variant.
Coding change: c.1344G>A on transcript NM_004183.4 (MANE Select); coding-DNA position 1344, G replaced by A.
Protein change: p.Lys448=; no amino-acid change (lysine 448 retained).
Molecular consequence: synonymous variant. On other transcripts: non-coding transcript variant (1).
Genome position (GRCh38, 1-based): chr11:61,962,498, G>A. VCF-style: chr11-61962498-G-A. GRCh37 (hg19) VCF-style: chr11-61729970-G-A.
Other names: c.1164G>A, p.Lys388= (NM_001139443.3, NM_001300787.2); c.1083G>A, p.Lys361= (NM_001300786.2); c.1026G>A, p.Lys342= (NM_001363591.3); c.*239G>A (NM_001363592.2); c.372G>A, p.Lys124= (NM_001363593.3).
Identifiers: ClinVar variation 383535 (VCV000383535.2), dbSNP rs750853071, ClinGen allele CA16605953.
Genomic context (GRCh38, chr11:61,962,498, plus strand): 5'-CCACAAGGCAGCCAAACAGAACGTTAGGGGCCAGGAAGACAACAAGGCCTGGAAGCTTAA[G>A]GCTGTGGACGCCTTCAAGTCTGCCCCACTGTATCAGAGGCCAGGCTACTACAGTGCCCCA-3'
Protein context (NP_004174.1, residues 438-458): GQEDNKAWKL[Lys448=]AVDAFKSAPL